The following is an entry in ClinVar:

ClinVar aggregate classification (germline): Uncertain significance (1 of 4 stars; one submission).

Submission:

Ambry Genetics
Classification: Uncertain significance. Last evaluated: 2025-09-13. Review status: criteria provided, single submitter. Criteria: Ambry Variant Classification Scheme 2023. Collection method: clinical testing. Allele origin: germline.
Comment: The p.S82F variant (also known as c.245C>T), located in coding exon 1 of the ATRIP gene, results from a C to T substitution at nucleotide position 245. The serine at codon 82 is replaced by phenylalanine, an amino acid with highly dissimilar properties. This amino acid position is conserved. In addition, this alteration is predicted to be tolerated by in silico analysis. Based on the available evidence, the clinical significance of this variant remains unclear.

NM_130384.3(ATRIP):c.245C>T (p.Ser82Phe)

Genes: ATRIP (ATR interacting protein; plus strand), ATRIP-TREX1 (ATRIP-TREX1 readthrough; plus strand). Cytogenetic location: 3p21.31.
Variant type: single nucleotide variant.
Coding change: c.245C>T on transcript NM_130384.3 (MANE Select); coding-DNA position 245, C replaced by T.
Protein change: p.Ser82Phe; replaces serine 82 with phenylalanine.
Molecular consequence: missense variant. On other transcripts: non-coding transcript variant (1), intron variant (1).
Genome position (GRCh38, 1-based): chr3:48,447,090, C>T. VCF-style: chr3-48447090-C-T. GRCh37 (hg19) VCF-style: chr3-48488494-C-T.
Other names: c.245C>T, p.Ser82Phe (NM_032166.4); c.-218+291C>T (NM_001271022.2); short protein forms S82F.
Identifiers: ClinVar variation 4182818 (VCV004182818.1).